The following is an entry in ClinVar:

ClinVar aggregate classification (germline): Uncertain significance. Review status: criteria provided, multiple submitters, no conflicts (2 of 4 stars). 3 submissions from 3 submitters: Uncertain significance (3). Last evaluated 2025-01-30.

Conditions:
Hereditary cancer-predisposing syndrome. Also called: Hereditary Cancer Syndrome; Tumor predisposition; Hereditary neoplastic syndrome; Neoplastic Syndromes, Hereditary. Identifiers: Orphanet 140162, MedGen C0027672, MeSH D009386, MONDO:0015356.
Hereditary breast ovarian cancer syndrome. Also called: Hereditary breast and ovarian cancer; Hereditary breast and ovarian cancer syndrome; BRCA1- and BRCA2-Associated Hereditary Breast and Ovarian Cancer; Hereditary breast and ovarian cancer syndrome (HBOC); Breast and ovarian cancer; Hereditary breast and/or ovarian cancer syndrome. Identifiers: Orphanet 145, MedGen C0677776, MeSH D061325, MONDO:0003582. Disease mechanism: loss of function.

Allele frequency attached by ClinVar (database versions not stated): gnomAD exomes below 0.00001.

Submissions (3):

Ambry Genetics
Classification: Uncertain significance for Hereditary cancer-predisposing syndrome. Last evaluated: 2025-01-30. Review status: criteria provided, single submitter. Criteria: Ambry Variant Classification Scheme 2023. Collection method: clinical testing. Allele origin: germline.
Comment: The c.2194_2199dupGAGGTC variant (also known as p.E732_V733dup), located in coding exon 10 of the BRCA2 gene, results from an in-frame duplication of GAGGTC at nucleotide positions 2194 to 2199. This results in the duplication of 2 residues (EV) at codons 732 and 733. This amino acid region is poorly conserved in available vertebrate species. In addition, this alteration is predicted to be deleterious by in silico analysis (Choi Y et al. PLoS ONE. 2012; 7(10):e46688). Based on the available evidence, the clinical significance of this variant remains unclear.

Labcorp Genetics (formerly Invitae), Labcorp
Classification: Uncertain significance for Hereditary breast ovarian cancer syndrome. Last evaluated: 2024-06-18. Review status: criteria provided, single submitter. Criteria: Invitae Variant Classification Sherloc (09022015). Collection method: clinical testing. Allele origin: germline.
Comment: This variant, c.2194_2199dup, results in the insertion of 2 amino acid(s) of the BRCA2 protein (p.Glu732_Val733dup), but otherwise preserves the integrity of the reading frame. This variant is not present in population databases (gnomAD no frequency). This variant has not been reported in the literature in individuals affected with BRCA2-related conditions. ClinVar contains an entry for this variant (Variation ID: 646273). Experimental studies and prediction algorithms are not available or were not evaluated, and the functional significance of this variant is currently unknown. In summary, the available evidence is currently insufficient to determine the role of this variant in disease. Therefore, it has been classified as a Variant of Uncertain Significance.

Color Diagnostics, LLC DBA Color Health
Classification: Uncertain significance for Hereditary cancer-predisposing syndrome. Last evaluated: 2019-10-15. Review status: criteria provided, single submitter. Criteria: ACMG Guidelines, 2015. Collection method: clinical testing. Allele origin: germline.
Comment: This variant causes an in-frame duplication of 2 amino acids in the BRCA2 protein. Splice site prediction tools suggest that this variant may not impact RNA splicing. To our knowledge, functional studies have not been performed for this variant. This variant has not been reported in individuals affected with hereditary cancer in the literature. This variant has not been identified in the general population by the Genome Aggregation Database (gnomAD). The available evidence is insufficient to determine the role of this variant in disease conclusively. Therefore, this variant is classified as a Variant of Uncertain Significance.

NM_000059.4(BRCA2):c.2194_2199dup (p.Glu732_Val733dup)

Gene: BRCA2 (BRCA2 DNA repair associated; plus strand). Cytogenetic location: 13q13.1.
Variant type: Duplication.
Coding change: c.2194_2199dup on transcript NM_000059.4 (MANE Select); coding-DNA positions 2194 to 2199, 6 bases duplicated (GAGGTC; older notation c.2194_2199dupGAGGTC).
Protein change: p.Glu732_Val733dup.
Molecular consequence: inframe insertion.
Genome position (GRCh38, 1-based): chr13:32,336,549-32,336,554, GAGGTC duplicated. VCF-style (leftmost placement, unchanged base first): chr13-32336548-A-AGAGGTC. GRCh37 (hg19) VCF-style: chr13-32910685-A-AGAGGTC.
Other names: c.2194_2199dupGAGGTC (NM_000059.3).
Identifiers: ClinVar variation 646273 (VCV000646273.15), dbSNP rs1593896305, ClinGen allele CA915946982.